The following is an entry in ClinVar:

NM_002878.4(RAD51D):c.434G>T (p.Arg145Leu)

Genes: RAD51L3-RFFL (RAD51L3-RFFL readthrough; minus strand), RAD51D (RAD51 paralog D; minus strand). Cytogenetic location: 17q12.
Variant type: single nucleotide variant.
Coding change: c.434G>T on transcript NM_002878.4 (MANE Select); coding-DNA position 434, G replaced by T.
Protein change: p.Arg145Leu; replaces arginine 145 with leucine.
Molecular consequence: missense variant. On other transcripts: non-coding transcript variant (1), intron variant (1).
Genome position (GRCh38, 1-based): chr17:35,107,034, C>A on the plus strand (G>T on the coding strand, the complement: RAD51D is on the minus strand). VCF-style: chr17-35107034-C-A. GRCh37 (hg19) VCF-style: chr17-33434053-C-A.
Other names: c.494G>T, p.Arg165Leu (NM_001142571.2); c.145-553G>T (NM_133629.3); short protein forms R165L, R145L.
Identifiers: ClinVar variation 924363 (VCV000924363.3), dbSNP rs147264215, ClinGen allele CA399089237.

ClinVar aggregate classification (germline): Uncertain significance (1 of 4 stars; one submission).

Conditions:
Hereditary cancer-predisposing syndrome. Also called: Neoplastic Syndromes, Hereditary; Tumor predisposition; Hereditary Cancer Syndrome; Hereditary neoplastic syndrome. Identifiers: Orphanet 140162, MedGen C0027672, MeSH D009386, MONDO:0015356.

Submission:

Color Diagnostics, LLC DBA Color Health
Classification: Uncertain significance for Hereditary cancer-predisposing syndrome. Last evaluated: 2019-08-15. Review status: criteria provided, single submitter. Criteria: ACMG Guidelines, 2015. Collection method: clinical testing. Allele origin: germline.
Comment: This missense variant replaces arginine with leucine at codon 145 of the RAD51D protein. Computational prediction tools and conservation analyses suggest that this variant may have deleterious impact on the protein function. Computational splicing tools suggest that this variant may not impact RNA splicing. To our knowledge, functional assays have not been performed for this variant nor has this variant been reported in individuals affected with hereditary cancer in the literature. This variant has not been identified in the general population by the Genome Aggregation Database (gnomAD). Available evidence is insufficient to determine the role of this variant in disease conclusively. Therefore, this variant is classified as a Variant of Uncertain Significance.